The following is an entry in ClinVar:

ClinVar aggregate classification (germline): Conflicting classifications of pathogenicity. Review status: criteria provided, conflicting classifications (1 of 4 stars). 3 submissions from 3 submitters: Uncertain significance (2); Likely benign (1). Last evaluated 2026-01-25.

Conditions:
Autoinflammatory syndrome. Identifiers: Orphanet 93665, MedGen C3890737, MONDO:0019751.
TNF receptor-associated periodic fever syndrome (TRAPS) (FPF). Also called: Autosomal Dominant Familial Periodic Fever; FAMILIAL HIBERNIAN FEVER; TNF receptor 1-associated periodic fever syndrome; TNF RECEPTOR-ASSOCIATED PERIODIC SYNDROME; TUMOR NECROSIS FACTOR RECEPTOR-ASSOCIATED PERIODIC SYNDROME; TNF Receptor-Associated Periodic Fever Syndrome. Identifiers: Orphanet 32960, MedGen C1275126, MONDO:0007727, OMIM 142680.

Allele frequency attached by ClinVar (database versions not stated): ExAC 0.00009; gnomAD 0.00010 and 0.00011; gnomAD exomes 0.00010 and 0.00033; TOPMed 0.00013.
gnomAD v4.1: 487 of 1,592,162 alleles (0.031%); highest among the groups gnomAD compares: Non-Finnish European, 0.04%; no homozygotes.

Submissions (4):

Labcorp Genetics (formerly Invitae), Labcorp
Classification: Likely benign for TNF receptor-associated periodic fever syndrome (TRAPS). Last evaluated: 2026-01-25. Review status: criteria provided, single submitter. Criteria: Invitae Variant Classification Sherloc (09022015). Collection method: clinical testing. Allele origin: germline.

Genome Diagnostics Laboratory, The Hospital for Sick Children
Classification: Uncertain significance for Autoinflammatory syndrome. Last evaluated: 2020-06-04. Review status: criteria provided, single submitter. Criteria: ACMG Guidelines, 2015. Collection method: clinical testing. Allele origin: germline. Affected: yes.

GeneDx
Classification: Uncertain significance. Last evaluated: 2017-01-12. Review status: criteria provided, single submitter. Criteria: GeneDx Variant Classification (06012015). Collection method: clinical testing. Allele origin: germline. Affected: yes.
Comment: The c.1058-6 C>G variant has not been published as a pathogenic variant, nor has it been reported as a benign variant to our knowledge. The c.1058-6 C>G variant was not observed in approximately 6,400 individuals of European and African American ancestry in the NHLBI Exome Sequencing Project, indicating it is not a common benign variant in these populations. Several in-silico splice prediction models predict that c.1058-6 C>G damages the natural splice acceptor site for intron 9, and may lead to abnormal gene splicing. However, in the absence of RNA/functional studies, the actual effect of this sequence change is unknown. Therefore, based on the currently available information, it is unclear whether this variant is a pathogenic variant or a rare benign variant.

Dr. Peter K. Rogan Lab, Western University
No classification provided (evidence only). Condition: Lung cancer. Review status: no classification provided. Collection method: in vitro. Allele origin: not applicable. Functional consequence: retained intron. Not counted in ClinVar's aggregate classification.

NM_001065.4(TNFRSF1A):c.1058-6C>G

Gene: TNFRSF1A (TNF receptor superfamily member 1A; minus strand). Cytogenetic location: 12p13.31.
Variant type: single nucleotide variant.
Coding change: c.1058-6C>G on transcript NM_001065.4 (MANE Select); 6 bases into the intron before coding-DNA position 1058, C replaced by G.
Molecular consequence: intron variant.
Genome position (GRCh38, 1-based): chr12:6,329,628, G>C on the plus strand (C>G on the coding strand, the complement: TNFRSF1A is on the minus strand). VCF-style: chr12-6329628-G-C. GRCh37 (hg19) VCF-style: chr12-6438794-G-C.
Other names: c.734-6C>G (NM_001346091.2); c.599-6C>G (NM_001346092.2).
Identifiers: ClinVar variation 234742 (VCV000234742.15), dbSNP rs761155688, ClinGen allele CA6405273.